The following is an entry in ClinVar:

NM_170784.3(MKKS):c.415C>T (p.Arg139Ter)

Gene: MKKS (MKKS centrosomal shuttling protein; minus strand). Cytogenetic location: 20p12.2.
Variant type: single nucleotide variant.
Coding change: c.415C>T on transcript NM_170784.3 (MANE Select); coding-DNA position 415, C replaced by T.
Protein change: p.Arg139Ter; replaces arginine 139 with a stop codon.
Molecular consequence: nonsense.
Genome position (GRCh38, 1-based): chr20:10,413,100, G>A on the plus strand (C>T on the coding strand, the complement: MKKS is on the minus strand). VCF-style: chr20-10413100-G-A. GRCh37 (hg19) VCF-style: chr20-10393748-G-A.
Other names: c.415C>T, p.Arg139Ter (NM_018848.3); short protein forms R139*.
Identifiers: ClinVar variation 985054 (VCV000985054.8), dbSNP rs142394051, ClinGen allele CA9763691.

ClinVar aggregate classification (germline): Pathogenic/Likely pathogenic. Review status: criteria provided, multiple submitters, no conflicts (2 of 4 stars). 4 submissions from 4 submitters: Pathogenic (2); Likely pathogenic (1). 1 of the submissions does not count toward it. Last evaluated 2024-06-23.

Conditions:
MKKS-related disorder. Also called: MKKS-related condition; MKKS-related disorders.
Inborn genetic diseases. Identifiers: MedGen C0950123, MeSH D030342.
McKusick-Kaufman syndrome (MKKS). Also called: HYDROMETROCOLPOS SYNDROME; HYDROMETROCOLPOS, POSTAXIAL POLYDACTYLY, AND CONGENITAL HEART MALFORMATION. Identifiers: Orphanet 2473, MedGen C0948368, MONDO:0009367, OMIM 236700.
Bardet-Biedl syndrome 6 (BBS6). Identifiers: Orphanet 110, MedGen C1858054, MONDO:0011523, OMIM 605231.

Allele frequency attached by ClinVar (database versions not stated): gnomAD exomes 0.00001; TOPMed 0.00002; ESP Exome Variant Server 0.00008.

Submissions (4):

Fulgent Genetics
Classification: Pathogenic for McKusick-Kaufman syndrome; Bardet-Biedl syndrome 6. Last evaluated: 2024-06-23. Review status: criteria provided, single submitter. Criteria: ACMG Guidelines, 2015. Collection method: clinical testing. Allele origin: germline.

Blueprint Genetics
Classification: Likely pathogenic for MKKS-related disorders. Last evaluated: 2018-09-11. Review status: criteria provided, single submitter. Criteria: ACMG Guidelines, 2015. Collection method: clinical testing. Allele origin: germline. Affected: yes. Observed: 1 variant allele.

Ambry Genetics
Classification: Pathogenic for Inborn genetic diseases. Last evaluated: 2017-11-27. Review status: criteria provided, single submitter. Criteria: Ambry exome assertion method (8-5-2015). Collection method: clinical testing. Allele origin: germline. Affected: yes. Observed: 1 variant allele.

PreventionGenetics, part of Exact Sciences
Classification: Likely pathogenic for MKKS-related condition. Last evaluated: 2024-02-08. Review status: no assertion criteria provided. Collection method: clinical testing. Allele origin: germline. Not counted in ClinVar's aggregate classification.
Comment: The MKKS c.415C>T variant is predicted to result in premature protein termination (p.Arg139*). This variant has been reported in a patient with Bardet-Biedl syndrome (Karmous-Benailly et al. 2005. PubMed ID: 15666242). This variant is reported in 0.0080% of alleles in individuals of European (Finnish) descent in gnomAD. Nonsense variants in MKKS are expected to be pathogenic. This variant is interpreted as likely pathogenic.

Literature cited by the submitters: PubMed 15666242 (cited by Ambry Genetics).